The following is an entry in ClinVar:

NM_001908.5(CTSB):c.391G>A (p.Val131Met)

Gene: CTSB (cathepsin B). Cytogenetic location: 8p23.1.
Variant type: single nucleotide variant.
Coding change: c.391G>A on transcript NM_001908.5 (MANE Select); coding-DNA position 391, G replaced by A.
Protein change: p.Val131Met; replaces valine 131 with methionine.
Molecular consequence: missense variant. On other transcripts: intron variant (1).
Genome position (GRCh38, 1-based): chr8:11,849,101, C>T on the plus strand (G>A on the coding strand, the complement: CTSB is on the minus strand). VCF-style: chr8-11849101-C-T. GRCh37 (hg19) VCF-style: chr8-11706610-C-T.
Other names: c.391G>A, p.Val131Met (NM_001384714.1, NM_001384723.1, NM_001384724.1 and 8 more transcripts); c.75-949G>A (NM_001317237.2); short protein forms V131M.
Identifiers: ClinVar variation 1371889 (VCV001371889.8), dbSNP rs569307763, ClinGen allele CA4632960.

ClinVar aggregate classification (germline): Uncertain significance (1 of 4 stars; one submission).

Allele frequency attached by ClinVar (database versions not stated): gnomAD 0.00001; gnomAD exomes 0.00002; TOPMed 0.00002.
gnomAD v4.1: 38 of 1,613,528 alleles (0.0024%); highest among the groups gnomAD compares: African/African-American, 0.0067%; no homozygotes.

Submission:

Labcorp Genetics (formerly Invitae), Labcorp
Classification: Uncertain significance. Last evaluated: 2021-07-06. Review status: criteria provided, single submitter. Criteria: Invitae Variant Classification Sherloc (09022015). Collection method: clinical testing. Allele origin: germline.
Comment: This variant is present in population databases (rs569307763, ExAC 0.002%). In summary, the available evidence is currently insufficient to determine the role of this variant in disease. Therefore, it has been classified as a Variant of Uncertain Significance. Algorithms developed to predict the effect of missense changes on protein structure and function are either unavailable or do not agree on the potential impact of this missense change (SIFT: "Not Available"; PolyPhen-2: "Probably Damaging"; Align-GVGD: "Not Available"). This variant has not been reported in the literature in individuals affected with CTSB-related conditions. This sequence change replaces valine with methionine at codon 131 of the CTSB protein (p.Val131Met). The valine residue is moderately conserved and there is a small physicochemical difference between valine and methionine.